The following is an entry in ClinVar:

ClinVar aggregate classification (germline): Uncertain significance (1 of 4 stars; one submission).

Conditions:
Hereditary cancer-predisposing syndrome. Also called: Neoplastic Syndromes, Hereditary; Tumor predisposition; Hereditary Cancer Syndrome; Hereditary neoplastic syndrome. Identifiers: Orphanet 140162, MedGen C0027672, MeSH D009386, MONDO:0015356.

Allele frequency attached by ClinVar (database versions not stated): gnomAD 0.00001; gnomAD exomes 0.00001.
gnomAD v4.1: 9 of 1,613,872 alleles (0.00056%); highest among the groups gnomAD compares: African/African-American, 0.0013%; no homozygotes.

Submission:

Labcorp Genetics (formerly Invitae), Labcorp
Classification: Uncertain significance for Hereditary cancer-predisposing syndrome. Last evaluated: 2022-12-04. Review status: criteria provided, single submitter. Criteria: Invitae Variant Classification Sherloc (09022015). Collection method: clinical testing. Allele origin: germline.
Comment: In summary, the available evidence is currently insufficient to determine the role of this variant in disease. Therefore, it has been classified as a Variant of Uncertain Significance. RNA analysis performed to evaluate the impact of this missense change on mRNA splicing indicates it does not significantly alter splicing (Invitae). Advanced modeling of protein sequence and biophysical properties (such as structural, functional, and spatial information, amino acid conservation, physicochemical variation, residue mobility, and thermodynamic stability) performed at Invitae indicates that this missense variant is expected to disrupt RAD50 protein function. ClinVar contains an entry for this variant (Variation ID: 457394). This variant has not been reported in the literature in individuals affected with RAD50-related conditions. This variant is not present in population databases (gnomAD no frequency). This sequence change replaces glutamine, which is neutral and polar, with histidine, which is basic and polar, at codon 668 of the RAD50 protein (p.Gln668His).

NM_005732.4(RAD50):c.2004G>C (p.Gln668His)

Gene: RAD50 (RAD50 double strand break repair protein; plus strand). Cytogenetic location: 5q31.1.
Variant type: single nucleotide variant.
Coding change: c.2004G>C on transcript NM_005732.4 (MANE Select); coding-DNA position 2004, G replaced by C.
Protein change: p.Gln668His; replaces glutamine 668 with histidine.
Molecular consequence: missense variant.
Genome position (GRCh38, 1-based): chr5:132,595,607, G>C. VCF-style: chr5-132595607-G-C. GRCh37 (hg19) VCF-style: chr5-131931299-G-C.
Other names: short protein forms Q668H.
Identifiers: ClinVar variation 457394 (VCV000457394.9), dbSNP rs1554098670, ClinGen allele CA360949325.